The following is an entry in ClinVar:

ClinVar aggregate classification (germline): Likely pathogenic (1 of 4 stars; one submission).

Conditions:
Bethlem myopathy 2 (BTHLM2). Identifiers: Orphanet 536516, Orphanet 610, MedGen C4225313, MONDO:0034022, OMIM 616471.
Ullrich congenital muscular dystrophy 1A. Also called: Intermediate COL6-RD; Ullrich congenital muscular dystrophy 1. Identifiers: Orphanet 75840, MedGen C0410179, MONDO:0009681, OMIM 254090.
Ullrich congenital muscular dystrophy 2 (UCMD2). Identifiers: Orphanet 75840, MedGen C4225314, MONDO:0014654, OMIM 616470.

Submission:

Labcorp Genetics (formerly Invitae), Labcorp
Classification: Likely pathogenic for Bethlem myopathy 2; Ullrich congenital muscular dystrophy 2. Last evaluated: 2020-08-08. Review status: criteria provided, single submitter. Criteria: Invitae Variant Classification Sherloc (09022015). Collection method: clinical testing. Allele origin: germline.
Comment: In summary, the currently available evidence indicates that the variant is pathogenic, but additional data are needed to prove that conclusively. Therefore, this variant has been classified as Likely Pathogenic. Donor and acceptor splice site variants typically lead to a loss of protein function (PMID: 16199547), and loss-of-function variants in COL12A1 are known to be pathogenic (PMID: 24334604, 28973083). Algorithms developed to predict the effect of sequence changes on RNA splicing suggest that this variant may disrupt the consensus splice site, but this prediction has not been confirmed by published transcriptional studies. This variant has not been reported in the literature in individuals with COL12A1-related conditions. This variant is not present in population databases (ExAC no frequency). This sequence change affects a donor splice site in intron 55 of the COL12A1 gene. It is expected to disrupt RNA splicing and likely results in an absent or disrupted protein product.

Literature cited by the submitters: PubMed 16199547 (cited by Labcorp Genetics (formerly Invitae), Labcorp); PubMed 24334604 (cited by Labcorp Genetics (formerly Invitae), Labcorp); PubMed 28973083 (cited by Labcorp Genetics (formerly Invitae), Labcorp).

NM_004370.6(COL12A1):c.8319+1G>C

Gene: COL12A1 (collagen type XII alpha 1 chain; minus strand). Cytogenetic location: 6q13.
Variant type: single nucleotide variant.
Coding change: c.8319+1G>C on transcript NM_004370.6 (MANE Select); the canonical splice donor site of the intron after coding-DNA position 8319, G replaced by C.
Molecular consequence: splice donor variant.
Genome position (GRCh38, 1-based): chr6:75,103,756, C>G on the plus strand (G>C on the coding strand, the complement: COL12A1 is on the minus strand). VCF-style: chr6-75103756-C-G. GRCh37 (hg19) VCF-style: chr6-75813472-C-G.
Other names: c.4827+1G>C (NM_080645.3).
Identifiers: ClinVar variation 949905 (VCV000949905.11), dbSNP rs1768416586, ClinGen allele CA364739955.